The following is an entry in ClinVar:

NM_001134407.3(GRIN2A):c.3602G>A (p.Ser1201Asn)

Gene: GRIN2A (glutamate ionotropic receptor NMDA type subunit 2A; minus strand). Cytogenetic location: 16p13.2.
Variant type: single nucleotide variant.
Coding change: c.3602G>A on transcript NM_001134407.3 (MANE Select); coding-DNA position 3602, G replaced by A.
Protein change: p.Ser1201Asn; replaces serine 1201 with asparagine.
Molecular consequence: missense variant.
Genome position (GRCh38, 1-based): chr16:9,763,942, C>T on the plus strand (G>A on the coding strand, the complement: GRIN2A is on the minus strand). VCF-style: chr16-9763942-C-T. GRCh37 (hg19) VCF-style: chr16-9857799-C-T.
Other names: c.3602G>A, p.Ser1201Asn (NM_000833.5, NM_001134408.2); c.3602G>A (NM_000833.3); short protein forms S1201N.
Identifiers: ClinVar variation 2139181 (VCV002139181.6), dbSNP rs2141130589, ClinGen allele CA394707267.

ClinVar aggregate classification (germline): Conflicting classifications of pathogenicity. Review status: criteria provided, conflicting classifications (1 of 4 stars). 3 submissions from 3 submitters: Uncertain significance (2); Likely benign (1). Last evaluated 2024-09-20.

Conditions:
Landau-Kleffner syndrome (FESD). Also called: EPILEPSY, FOCAL, WITH SPEECH DISORDER AND WITH OR WITHOUT MENTAL RETARDATION; APHASIA, ACQUIRED, WITH EPILEPSY. Identifiers: Orphanet 1945, Orphanet 725, Orphanet 98818, MedGen C0282512, MONDO:0009509, OMIM 245570.
Inborn genetic diseases. Identifiers: MedGen C0950123, MeSH D030342.

Submissions (3):

3billion
Classification: Likely benign for Landau-Kleffner syndrome. Last evaluated: 2024-09-20. Review status: criteria provided, single submitter. Criteria: ACMG Guidelines, 2015. Collection method: clinical testing. Allele origin: germline. Affected: no.
Comment: The variant was identified in at least one patient who was diagnosed with a different variant in another gene and showed no symptoms related to the gene containing the variant in question.

Ambry Genetics
Classification: Uncertain significance for Inborn genetic diseases. Last evaluated: 2023-12-08. Review status: criteria provided, single submitter. Criteria: Ambry Variant Classification Scheme 2023. Collection method: clinical testing. Allele origin: germline.

Labcorp Genetics (formerly Invitae), Labcorp
Classification: Uncertain significance for Landau-Kleffner syndrome. Last evaluated: 2022-07-01. Review status: criteria provided, single submitter. Criteria: Invitae Variant Classification Sherloc (09022015). Collection method: clinical testing. Allele origin: germline.
Comment: This variant has not been reported in the literature in individuals affected with GRIN2A-related conditions. In summary, the available evidence is currently insufficient to determine the role of this variant in disease. Therefore, it has been classified as a Variant of Uncertain Significance. Advanced modeling of protein sequence and biophysical properties (such as structural, functional, and spatial information, amino acid conservation, physicochemical variation, residue mobility, and thermodynamic stability) performed at Invitae indicates that this missense variant is not expected to disrupt GRIN2A protein function. This variant is not present in population databases (gnomAD no frequency). This sequence change replaces serine, which is neutral and polar, with asparagine, which is neutral and polar, at codon 1201 of the GRIN2A protein (p.Ser1201Asn).